The following is an entry in ClinVar:

NM_000722.4(CACNA2D1):c.3158T>C (p.Leu1053Ser)

Gene: CACNA2D1 (calcium voltage-gated channel auxiliary subunit alpha2delta 1; minus strand). Cytogenetic location: 7q21.11.
Variant type: single nucleotide variant.
Coding change: c.3158T>C on transcript NM_000722.4 (MANE Select); coding-DNA position 3158, T replaced by C.
Protein change: p.Leu1053Ser; replaces leucine 1053 with serine.
Molecular consequence: missense variant.
Genome position (GRCh38, 1-based): chr7:81,959,276, A>G on the plus strand (T>C on the coding strand, the complement: CACNA2D1 is on the minus strand). VCF-style: chr7-81959276-A-G. GRCh37 (hg19) VCF-style: chr7-81588592-A-G.
Other names: c.3194T>C, p.Leu1065Ser (NM_001366867.1); short protein forms L1053S, L1065S.
Identifiers: ClinVar variation 3700080 (VCV003700080.2).

ClinVar aggregate classification (germline): Uncertain significance (1 of 4 stars; one submission).

Conditions:
Brugada syndrome. Also called: Sudden unexpected nocturnal death syndrome; Sudden Unexplained Death Syndrome; Sudden Unexplained Nocturnal Death Syndrome (SUNDS); Sudden unexplained nocturnal death syndrome. Identifiers: Orphanet 130, MedGen C1142166, MONDO:0015263.

gnomAD v4.1: 1 of 1,594,056 alleles (0.000063%); highest among the groups gnomAD compares: Non-Finnish European, 0.000086%; no homozygotes.

Submission:

Labcorp Genetics (formerly Invitae), Labcorp
Classification: Uncertain significance for Brugada syndrome. Last evaluated: 2024-08-03. Review status: criteria provided, single submitter. Criteria: Invitae Variant Classification Sherloc (09022015). Collection method: clinical testing. Allele origin: germline.
Comment: This sequence change replaces leucine, which is neutral and non-polar, with serine, which is neutral and polar, at codon 1053 of the CACNA2D1 protein (p.Leu1053Ser). This variant is not present in population databases (gnomAD no frequency). This variant has not been reported in the literature in individuals affected with CACNA2D1-related conditions. An algorithm developed to predict the effect of missense changes on protein structure and function (PolyPhen-2) suggests that this variant is likely to be tolerated. In summary, the available evidence is currently insufficient to determine the role of this variant in disease. Therefore, it has been classified as a Variant of Uncertain Significance.